The following is an entry in ClinVar:

NM_001040142.2(SCN2A):c.1259T>A (p.Ile420Asn)

Gene: SCN2A (sodium voltage-gated channel alpha subunit 2; plus strand). Cytogenetic location: 2q24.3.
Variant type: single nucleotide variant.
Coding change: c.1259T>A on transcript NM_001040142.2 (MANE Select); coding-DNA position 1259, T replaced by A.
Protein change: p.Ile420Asn; replaces isoleucine 420 with asparagine.
Molecular consequence: missense variant.
Genome position (GRCh38, 1-based): chr2:165,313,984, T>A. VCF-style: chr2-165313984-T-A. GRCh37 (hg19) VCF-style: chr2-166170494-T-A.
Other names: c.1259T>A, p.Ile420Asn (NM_001040143.2, NM_001371246.1, NM_001371247.1 and 1 more transcripts); short protein forms I420N.
Identifiers: ClinVar variation 861508 (VCV000861508.10), dbSNP rs1697584791, ClinGen allele CA349022230.

ClinVar aggregate classification (germline): Uncertain significance (1 of 4 stars; one submission).

Conditions:
Seizures, benign familial infantile, 3 (BFIS3). Also called: Familial neonatal seizures; CONVULSIONS, BENIGN FAMILIAL INFANTILE, 3. Identifiers: Orphanet 140927, Orphanet 306, MedGen C1843140, MONDO:0011904, OMIM 607745.
Developmental and epileptic encephalopathy, 11 (DEE11). Also called: Early infantile epileptic encephalopathy 11. Identifiers: Orphanet 1934, MedGen C3150987, MONDO:0013388, OMIM 613721.

Submission:

Labcorp Genetics (formerly Invitae), Labcorp
Classification: Uncertain significance for Seizures, benign familial infantile, 3; Developmental and epileptic encephalopathy, 11. Last evaluated: 2024-12-22. Review status: criteria provided, single submitter. Criteria: Invitae Variant Classification Sherloc (09022015). Collection method: clinical testing. Allele origin: germline.
Comment: This sequence change replaces isoleucine, which is neutral and non-polar, with asparagine, which is neutral and polar, at codon 420 of the SCN2A protein (p.Ile420Asn). This variant is not present in population databases (gnomAD no frequency). This variant has not been reported in the literature in individuals affected with SCN2A-related conditions. ClinVar contains an entry for this variant (Variation ID: 861508). Invitae Evidence Modeling of protein sequence and biophysical properties (such as structural, functional, and spatial information, amino acid conservation, physicochemical variation, residue mobility, and thermodynamic stability) indicates that this missense variant is expected to disrupt SCN2A protein function with a positive predictive value of 95%. In summary, the available evidence is currently insufficient to determine the role of this variant in disease. Therefore, it has been classified as a Variant of Uncertain Significance.